The following is an entry in ClinVar:

NM_001134831.2(AHI1):c.1119del (p.Glu373fs)

Gene: AHI1 (Abelson helper integration site 1; minus strand). Cytogenetic location: 6q23.3.
Variant type: Deletion.
Coding change: c.1119del on transcript NM_001134831.2 (MANE Select); coding-DNA position 1119, one base deleted (G; older notation c.1119delG).
Protein change: p.Glu373fs; shifts the reading frame from glutamic acid 373.
Molecular consequence: frameshift variant.
Genome position (GRCh38, 1-based): chr6:135,457,526, C deleted on the plus strand (G on the coding strand, the reverse complement: AHI1 is on the minus strand). VCF-style (leftmost placement, unchanged base first): chr6-135457525-GC-G. GRCh37 (hg19) VCF-style: chr6-135778663-GC-G.
Other names: c.1119del, p.Glu373fs (NM_001134830.2, NM_001134832.2, NM_001350503.2 and 2 more transcripts); short protein forms E373fs.
Identifiers: ClinVar variation 1960072 (VCV001960072.5), dbSNP rs2484904759, ClinGen allele CA452430359.

ClinVar aggregate classification (germline): Pathogenic (1 of 4 stars; one submission).

Conditions:
Joubert syndrome. Also called: CEREBELLOPARENCHYMAL DISORDER IV; JOUBERT-BOLTSHAUSER SYNDROME; Familial aplasia of the vermis. Identifiers: Orphanet 475, MedGen C5979921, MONDO:0018772.

Submission:

Labcorp Genetics (formerly Invitae), Labcorp
Classification: Pathogenic for Joubert syndrome. Last evaluated: 2024-02-29. Review status: criteria provided, single submitter. Criteria: Invitae Variant Classification Sherloc (09022015). Collection method: clinical testing. Allele origin: germline.
Comment: This sequence change creates a premature translational stop signal (p.Glu373Aspfs*32) in the AHI1 gene. It is expected to result in an absent or disrupted protein product. Loss-of-function variants in AHI1 are known to be pathogenic (PMID: 15322546, 16453322, 28442542, 29186038). This variant is not present in population databases (gnomAD no frequency). This variant has not been reported in the literature in individuals affected with AHI1-related conditions. ClinVar contains an entry for this variant (Variation ID: 1960072). For these reasons, this variant has been classified as Pathogenic.

Literature cited by the submitters: PubMed 15322546; PubMed 16453322; PubMed 28442542; PubMed 29186038.